The following is an entry in ClinVar:

ClinVar aggregate classification (germline): Uncertain significance (1 of 4 stars; one submission).

gnomAD v4.1: 4 of 1,612,408 alleles (0.00025%); highest among the groups gnomAD compares: Non-Finnish European, 0.00025%; no homozygotes.

Submission:

GeneDx
Classification: Uncertain significance. Last evaluated: 2026-04-02. Review status: criteria provided, single submitter. Criteria: GeneDx Variant Classification Process June 2021. Collection method: clinical testing. Allele origin: germline.
Comment: De novo variant with confirmed parentage in patients referred for genetic testing at GeneDx and in published literature with reported clinical features that are only partially consistent with the features typically observed in individuals with pathogenic variants in this gene (PMID: 33880452); In silico analysis supports that this missense variant has a deleterious effect on protein structure/function; This variant is associated with the following publications: (PMID: 38785164, 33880452, 21376300, 21820098, 26125038)

NM_001244008.2(KIF1A):c.617C>T (p.Ala206Val)

Gene: KIF1A (kinesin family member 1A; minus strand). Cytogenetic location: 2q37.3.
Variant type: single nucleotide variant.
Coding change: c.617C>T on transcript NM_001244008.2 (MANE Select); coding-DNA position 617, C replaced by T.
Protein change: p.Ala206Val; replaces alanine 206 with valine.
Molecular consequence: missense variant.
Genome position (GRCh38, 1-based): chr2:240,785,092, G>A on the plus strand (C>T on the coding strand, the complement: KIF1A is on the minus strand). VCF-style: chr2-240785092-G-A. GRCh37 (hg19) VCF-style: chr2-241724509-G-A.
Other names: c.617C>T, p.Ala206Val (NM_001320705.2, NM_001330289.2, NM_001330290.2 and 20 more transcripts); short protein forms A206V.
Identifiers: ClinVar variation 5018468 (VCV005018468.1).